The following is an entry in ClinVar:

ClinVar aggregate classification (germline): Uncertain significance. Review status: criteria provided, multiple submitters, no conflicts (2 of 4 stars). 2 submissions from 2 submitters: Uncertain significance (2). Last evaluated 2024-06-28.

Conditions:
Curry-Hall syndrome (WAD). Also called: WEYERS ACRODENTAL DYSOSTOSIS. Identifiers: Orphanet 952, MedGen C0457013, MONDO:0008673, OMIM 193530.
Ellis-van Creveld syndrome (EVC). Also called: EVC-Related Ellis-van Creveld Syndrome; EVC2-Related Ellis-van Creveld Syndrome; MESOECTODERMAL DYSPLASIA; Chondroectodermal dysplasia. Identifiers: Orphanet 289, MedGen C0013903, MONDO:0009162, OMIM 225500.

Submissions (2):

Labcorp Genetics (formerly Invitae), Labcorp
Classification: Uncertain significance for Curry-Hall syndrome; Ellis-van Creveld syndrome. Last evaluated: 2024-06-28. Review status: criteria provided, single submitter. Criteria: Invitae Variant Classification Sherloc (09022015). Collection method: clinical testing. Allele origin: germline.
Comment: This sequence change replaces phenylalanine, which is neutral and non-polar, with leucine, which is neutral and non-polar, at codon 1235 of the EVC2 protein (p.Phe1235Leu). This variant is not present in population databases (gnomAD no frequency). This variant has not been reported in the literature in individuals affected with EVC2-related conditions. ClinVar contains an entry for this variant (Variation ID: 195702). Algorithms developed to predict the effect of missense changes on protein structure and function output the following: SIFT: "Not Available"; PolyPhen-2: "Benign"; Align-GVGD: "Not Available". The leucine amino acid residue is found in multiple mammalian species, which suggests that this missense change does not adversely affect protein function. In summary, the available evidence is currently insufficient to determine the role of this variant in disease. Therefore, it has been classified as a Variant of Uncertain Significance.

Eurofins Ntd Llc (ga)
Classification: Uncertain significance. Last evaluated: 2015-04-03. Review status: criteria provided, single submitter. Criteria: EGL Classification Definitions 2015. Collection method: clinical testing. Allele origin: germline. Observed: 1 variant allele, 1 heterozygote.

NM_147127.5(EVC2):c.3703T>C (p.Phe1235Leu)

Gene: EVC2 (EvC ciliary complex subunit 2; minus strand). Cytogenetic location: 4p16.2.
Variant type: single nucleotide variant.
Coding change: c.3703T>C on transcript NM_147127.5 (MANE Select); coding-DNA position 3703, T replaced by C.
Protein change: p.Phe1235Leu; replaces phenylalanine 1235 with leucine.
Molecular consequence: missense variant.
Genome position (GRCh38, 1-based): chr4:5,563,072, A>G on the plus strand (T>C on the coding strand, the complement: EVC2 is on the minus strand). VCF-style: chr4-5563072-A-G. GRCh37 (hg19) VCF-style: chr4-5564799-A-G.
Other names: c.3463T>C, p.Phe1155Leu (NM_001166136.2); short protein forms F1235L, F1155L.
Identifiers: ClinVar variation 195702 (VCV000195702.7), dbSNP rs794727367, ClinGen allele CA242237.